The following is an entry in ClinVar:

NM_004990.4(MARS1):c.2024C>G (p.Thr675Ser)

Gene: MARS1 (methionyl-tRNA synthetase 1; plus strand). Cytogenetic location: 12q13.3.
Variant type: single nucleotide variant.
Coding change: c.2024C>G on transcript NM_004990.4 (MANE Select); coding-DNA position 2024, C replaced by G.
Protein change: p.Thr675Ser; replaces threonine 675 with serine.
Molecular consequence: missense variant.
Genome position (GRCh38, 1-based): chr12:57,514,776, C>G. VCF-style: chr12-57514776-C-G. GRCh37 (hg19) VCF-style: chr12-57908559-C-G.
Other names: short protein forms T675S.
Identifiers: ClinVar variation 917035 (VCV000917035.10), dbSNP rs776411681, ClinGen allele CA6650684.

ClinVar aggregate classification (germline): Uncertain significance. Review status: criteria provided, multiple submitters, no conflicts (2 of 4 stars). 3 submissions from 3 submitters: Uncertain significance (3). Last evaluated 2025-12-15.

Conditions:
Severe early-onset pulmonary alveolar proteinosis due to MARS deficiency. Also called: PULMONARY ALVEOLAR PROTEINOSIS, REUNION ISLAND; Interstitial lung and liver disease. Identifiers: Orphanet 440427, MedGen C4225400, MONDO:0014206, OMIM 615486.
Charcot-Marie-Tooth disease axonal type 2U. Also called: CHARCOT-MARIE-TOOTH DISEASE, AXONAL, AUTOSOMAL DOMINANT, TYPE 2U; CHARCOT-MARIE-TOOTH NEUROPATHY, TYPE 2U. Identifiers: Orphanet 397735, MedGen C4084821, MONDO:0014566, OMIM 616280.
Charcot-Marie-Tooth disease. Also called: Charcot-Marie-Tooth Hereditary Neuropathy; Charcot-Marie-Tooth Neuropathy. Identifiers: Orphanet 166, MedGen C0007959, MONDO:0015626.

Allele frequency attached by ClinVar (database versions not stated): TOPMed 0.00002; gnomAD 0.00005; gnomAD exomes 0.00005; ExAC 0.00007.
gnomAD v4.1: 94 of 1,614,092 alleles (0.0058%); highest among the groups gnomAD compares: Middle Eastern, 0.016%; no homozygotes.

Submissions (3):

Labcorp Genetics (formerly Invitae), Labcorp
Classification: Uncertain significance for Charcot-Marie-Tooth disease axonal type 2U; Severe early-onset pulmonary alveolar proteinosis due to MARS deficiency. Last evaluated: 2025-12-15. Review status: criteria provided, single submitter. Criteria: Invitae Variant Classification Sherloc (09022015). Collection method: clinical testing. Allele origin: germline.
Comment: This sequence change replaces threonine, which is neutral and polar, with serine, which is neutral and polar, at codon 675 of the MARS protein (p.Thr675Ser). This variant is present in population databases (rs776411681, gnomAD 0.01%). This missense change has been observed in individual(s) with clinical features of Charcot-Marie-Tooth disease (PMID: 32376792). ClinVar contains an entry for this variant (Variation ID: 917035). An algorithm developed to predict the effect of missense changes on protein structure and function (PolyPhen-2) suggests that this variant is likely to be tolerated. In summary, the available evidence is currently insufficient to determine the role of this variant in disease. Therefore, it has been classified as a Variant of Uncertain Significance.

Ambry Genetics
Classification: Uncertain significance. Last evaluated: 2021-09-16. Review status: criteria provided, single submitter. Criteria: Ambry Variant Classification Scheme 2023. Collection method: clinical testing. Allele origin: germline.

Molecular Genetics Laboratory, London Health Sciences Centre
Classification: Uncertain significance for Charcot-Marie-Tooth disease. Review status: criteria provided, single submitter. Criteria: ACMG Guidelines, 2015. Collection method: clinical testing. Allele origin: germline. Affected: yes.

Literature cited by the submitters: PubMed 32376792 (cited by Labcorp Genetics (formerly Invitae), Labcorp).